The following is an entry in ClinVar:

ClinVar aggregate classification (germline): Pathogenic/Likely pathogenic. Review status: criteria provided, multiple submitters, no conflicts (2 of 4 stars). 3 submissions from 3 submitters: Pathogenic (1); Likely pathogenic (2). Last evaluated 2025-06-07.

Conditions:
Primary dilated cardiomyopathy (DCM). Also called: Dilated Cardiomyopathy. Identifiers: Orphanet 217604, MedGen C0007193, MeSH D002311, MONDO:0005021, HP:0001644. Inheritance: Various modes of inheritance.
Arrhythmogenic right ventricular cardiomyopathy (ARVD). Also called: Arrhythmogenic cardiomyopathy; Arrhythmogenic Right Ventricular Cardiomyopathy (ARVC); Cardiomyopathy, ARVC; Arrhythmogenic right ventricular dysplasia. Identifiers: Orphanet 247, MedGen C0349788, MeSH D019571, MONDO:0016587. Disease mechanism: loss of function. Inheritance: Various modes of inheritance.
Arrhythmogenic right ventricular dysplasia 8 (ARVD8). Also called: Arrhythmogenic Right Ventricular Dysplasia/Cardiomyopathy 8; ARRHYTHMOGENIC RIGHT VENTRICULAR DYSPLASIA, FAMILIAL, 8; ARRHYTHMOGENIC RIGHT VENTRICULAR CARDIOMYOPATHY 8. Identifiers: MedGen C1843896, MONDO:0011831, OMIM 607450.
Arrhythmogenic cardiomyopathy with wooly hair and keratoderma. Also called: Dilated cardiomyopathy with woolly hair and keratoderma; Arrhythmogenic cardiomyopathy with woolly hair and keratoderma; PALMOPLANTAR KERATODERMA WITH LEFT VENTRICULAR CARDIOMYOPATHY AND WOOLLY HAIR; Carvajal syndrome. Identifiers: Orphanet 65282, MedGen C1854063, MONDO:0011581, OMIM 605676.

Submissions (3):

Labcorp Genetics (formerly Invitae), Labcorp
Classification: Pathogenic for Arrhythmogenic cardiomyopathy with wooly hair and keratoderma; Arrhythmogenic right ventricular dysplasia 8. Last evaluated: 2025-06-07. Review status: criteria provided, single submitter. Criteria: Invitae Variant Classification Sherloc (09022015). Collection method: clinical testing. Allele origin: germline.
Comment: This sequence change creates a premature translational stop signal (p.Gln76*) in the DSP gene. It is expected to result in an absent or disrupted protein product. Loss-of-function variants in DSP are known to be pathogenic (PMID: 20716751, 24503780, 25227139). This variant is not present in population databases (gnomAD no frequency). This variant has not been reported in the literature in individuals affected with DSP-related conditions. ClinVar contains an entry for this variant (Variation ID: 505712). For these reasons, this variant has been classified as Pathogenic.

GeneDx
Classification: Likely pathogenic. Last evaluated: 2023-07-14. Review status: criteria provided, single submitter. Criteria: GeneDx Variant Classification Process June 2021. Collection method: clinical testing. Allele origin: germline. Affected: yes.
Comment: Nonsense variant predicted to result in protein truncation or nonsense mediated decay in a gene for which loss of function is a known mechanism of disease; Not observed at significant frequency in large population cohorts (gnomAD); Has not been previously published in association with DSP-related disorders to our knowledge; This variant is associated with the following publications: (PMID: 31638835, 31447099, 33684294)

Laboratory for Molecular Medicine, Mass General Brigham Personalized Medicine
Classification: Likely pathogenic for Arrhythmogenic right ventricular cardiomyopathy; Primary dilated cardiomyopathy. Last evaluated: 2017-06-13. Review status: criteria provided, single submitter. Criteria: LMM Criteria. Collection method: clinical testing. Allele origin: germline. Inheritance: Autosomal dominant inheritance. Observed: 2 variant alleles.
Comment: The p.Gln76X variant in DSP has not been previously reported in individuals with cardiomyopathy or in large population studies. This nonsense variant leads to a premature termination codon at position 76, which is predicted to lead to a tru ncated or absent protein. Heterozygous loss of function of the DSP gene is an es tablished disease mechanism in individuals with arrhythmogenic right ventricular cardiomyopathy, and has recently been associated with dilated cardiomyopathy. I n summary, although additional studies are required to fully establish its clini cal significance, the p.Gln76X variant is likely pathogenic.

Literature cited by the submitters: PubMed 20716751 (cited by Labcorp Genetics (formerly Invitae), Labcorp); PubMed 24503780 (cited by Labcorp Genetics (formerly Invitae), Labcorp); PubMed 25227139 (cited by Labcorp Genetics (formerly Invitae), Labcorp).

NM_004415.4(DSP):c.226C>T (p.Gln76Ter)

Gene: DSP (desmoplakin; plus strand). Cytogenetic location: 6p24.3.
Variant type: single nucleotide variant.
Coding change: c.226C>T on transcript NM_004415.4 (MANE Select); coding-DNA position 226, C replaced by T.
Protein change: p.Gln76Ter; replaces glutamine 76 with a stop codon.
Molecular consequence: nonsense.
Genome position (GRCh38, 1-based): chr6:7,555,773, C>T. VCF-style: chr6-7555773-C-T. GRCh37 (hg19) VCF-style: chr6-7556006-C-T.
Other names: c.226C>T, p.Gln76Ter (NM_001008844.3, NM_001319034.2); short protein forms Q76*.
Identifiers: ClinVar variation 505712 (VCV000505712.6), dbSNP rs1554105614, ClinGen allele CA362670785.
Genomic context (GRCh38, chr6:7,555,773, plus strand): 5'-CTTAGTCAAACCGGCACGATGTCCAGGCACCAGAACCAGAACACCATCCAGGAGCTGCTG[C>T]AGAACTGCTCCGACTGCTTGATGCGAGCAGAGCTCATCGTGCAGCCTGTAAGCTTTCCCT-3'